The following is an entry in ClinVar:

ClinVar aggregate classification (germline): Likely benign (0 of 4 stars; one submission).

Conditions:
MYH6-related disorder. Also called: MYH6-Related Disorders; MYH6-related condition.

Allele frequency attached by ClinVar (database versions not stated): gnomAD exomes 0.00002; ExAC 0.00009; gnomAD 0.00019; TOPMed 0.00027; ESP Exome Variant Server 0.00077.
gnomAD v4.1: 56 of 1,530,006 alleles (0.0037%); highest among the groups gnomAD compares: African/African-American, 0.07%; no homozygotes.

Submission:

PreventionGenetics, part of Exact Sciences
Classification: Likely benign for MYH6-related condition. Last evaluated: 2023-09-27. Review status: no assertion criteria provided. Collection method: clinical testing. Allele origin: germline.
Comment: This variant is classified as likely benign based on ACMG/AMP sequence variant interpretation guidelines (Richards et al. 2015 PMID: 25741868, with internal and published modifications).

NM_002471.4(MYH6):c.4651-22C>T

Genes: MYH6 (myosin heavy chain 6; minus strand), LOC126861896 (BRD4-independent group 4 enhancer GRCh37_chr14:23854904-23856103; plus strand). Cytogenetic location: 14q11.2.
Variant type: single nucleotide variant.
Coding change: c.4651-22C>T on transcript NM_002471.4 (MANE Select); 22 bases into the intron before coding-DNA position 4651, C replaced by T.
Molecular consequence: intron variant.
Genome position (GRCh38, 1-based): chr14:23,386,645, G>A on the plus strand (C>T on the coding strand, the complement: MYH6 is on the minus strand). VCF-style: chr14-23386645-G-A. GRCh37 (hg19) VCF-style: chr14-23855854-G-A.
Identifiers: ClinVar variation 3054776 (VCV003054776.2), dbSNP rs376871389, ClinGen allele CA7114680.